The following is an entry in ClinVar:

ClinVar aggregate classification (germline): Uncertain significance. Review status: no assertion criteria provided (0 of 4 stars). 2 submissions from 1 submitter: Uncertain significance (1). 1 of the submissions does not count toward it. Last evaluated 2018-08-02.

Conditions:
Global developmental delay (DD). Also called: Cognitive delay. Identifiers: MedGen C0557874, HP:0001263. Disease mechanism: loss of function.

Submissions (2):

Institute of Human Genetics, University of Goettingen
Classification: Uncertain significance. Last evaluated: 2018-08-02. Review status: no assertion criteria provided. Collection method: clinical testing. Allele origin: unknown. Affected: yes. Observed: 1 variant allele.
Comment: several deletions of the same size can be found in all databases (DGV, ISCA, DECIPHER), whereas homozygous affected STRC gene is known for the disease DFNB13 and homozygous deletions of the genes STRC and CATSPER2 are described for patients with DIS (OMIM 611102)

Institute of Human Genetics, University of Goettingen
Classification: Uncertain significance for Global developmental delay. Last evaluated: 2019-04-04. Review status: flagged submission. Collection method: clinical testing. Allele origin: unknown. Inheritance: Autosomal dominant inheritance. Affected: yes. Observed: 1 variant allele. Not counted in ClinVar's aggregate classification.
ClinVar note: Reason: This record appears to be redundant with a more recent record from the same submitter.
ClinVar note: Notes: SCV000926222 appears to be redundant with SCV000882651.

GRCh37/hg19 15q15.3(chr15:43888927-43933733)x1

Genes: CATSPER2 (cation channel sperm associated 2; minus strand), CKMT1A (creatine kinase, mitochondrial 1A; plus strand), CKMT1B (creatine kinase, mitochondrial 1B; plus strand), PPIP5K1 (diphosphoinositol pentakisphosphate kinase 1; minus strand), STRC (stereocilin; minus strand). Cytogenetic location: 15q15.3.
Variant type: copy number loss.
Change: copy number 1 (one copy instead of two) of chr15:43,888,927-43,933,733 (44.8 kb, GRCh37 coordinates, 1-based), cytogenetic band 15q15.3.
Identifiers: ClinVar variation 617597 (VCV000617597.4).